The following is an entry in ClinVar:

ClinVar aggregate classification (germline): Uncertain significance (1 of 4 stars; one submission).

Conditions:
Mucopolysaccharidosis, MPS-II (MPS2). Also called: IDS deficiency; Sulfoiduronate sulfatase deficiency; SIDS deficiency; Mucopolysaccharidosis with skin involvement; Attenuated MPS (subtype; formerly known as mild MPS II); Severe MPS II. Identifiers: Orphanet 580, Orphanet 79388, MedGen C0026705, MONDO:0010674, OMIM 309900.

Submission:

Labcorp Genetics (formerly Invitae), Labcorp
Classification: Uncertain significance for Mucopolysaccharidosis, MPS-II. Last evaluated: 2022-07-06. Review status: criteria provided, single submitter. Criteria: Invitae Variant Classification Sherloc (09022015). Collection method: clinical testing. Allele origin: germline.
Comment: In summary, the available evidence is currently insufficient to determine the role of this variant in disease. Therefore, it has been classified as a Variant of Uncertain Significance. This variant disrupts the p.Trp502 amino acid residue in IDS. Other variant(s) that disrupt this residue have been observed in individuals with IDS-related conditions (PMID: 1639384, 22976768, 35144014, 35242576), which suggests that this may be a clinically significant amino acid residue. Advanced modeling of protein sequence and biophysical properties (such as structural, functional, and spatial information, amino acid conservation, physicochemical variation, residue mobility, and thermodynamic stability) performed at Invitae indicates that this missense variant is expected to disrupt IDS protein function. This variant has not been reported in the literature in individuals affected with IDS-related conditions. This variant is not present in population databases (gnomAD no frequency). This sequence change replaces tryptophan, which is neutral and slightly polar, with arginine, which is basic and polar, at codon 502 of the IDS protein (p.Trp502Arg).

Literature cited by the submitters: PubMed 1639384; PubMed 22976768; PubMed 35144014; PubMed 35242576.

NM_000202.8(IDS):c.1504T>A (p.Trp502Arg)

Gene: IDS (iduronate 2-sulfatase; minus strand). Cytogenetic location: Xq28.
Variant type: single nucleotide variant.
Coding change: c.1504T>A on transcript NM_000202.8 (MANE Select); coding-DNA position 1504, T replaced by A.
Protein change: p.Trp502Arg; replaces tryptophan 502 with arginine.
Molecular consequence: missense variant.
Genome position (GRCh38, 1-based): chrX:149,482,895, A>T on the plus strand (T>A on the coding strand, the complement: IDS is on the minus strand). VCF-style: chrX-149482895-A-T. GRCh37 (hg19) VCF-style: chrX-148564426-A-T.
Other names: c.1234T>A, p.Trp412Arg (NM_001166550.4); short protein forms W502R, W412R.
Identifiers: ClinVar variation 2014357 (VCV002014357.4), dbSNP rs2089304297, ClinGen allele CA414517947.